The following is an entry in ClinVar:

NM_015965.7(NDUFA13):c.91T>G (p.Ser31Ala)

Genes: NDUFA13 (NADH:ubiquinone oxidoreductase subunit A13; plus strand), LOC130064074 (ATAC-STARR-seq lymphoblastoid active region 14360; plus strand). Cytogenetic location: 19p13.11.
Variant type: single nucleotide variant.
Coding change: c.91T>G on transcript NM_015965.7 (MANE Select); coding-DNA position 91, T replaced by G.
Protein change: p.Ser31Ala; replaces serine 31 with alanine.
Molecular consequence: missense variant.
Genome position (GRCh38, 1-based): chr19:19,516,329, T>G. VCF-style: chr19-19516329-T-G. GRCh37 (hg19) VCF-style: chr19-19627138-T-G.
Other names: short protein forms S31A.
Identifiers: ClinVar variation 1945071 (VCV001945071.5), dbSNP rs991529032, ClinGen allele CA306360751.

ClinVar aggregate classification (germline): Uncertain significance (1 of 4 stars; one submission).

Allele frequency attached by ClinVar (database versions not stated): gnomAD exomes below 0.00001.
gnomAD v4.1: 3 of 1,613,252 alleles (0.00019%); highest among the groups gnomAD compares: Non-Finnish European, 0.000085%; no homozygotes.

Submission:

Labcorp Genetics (formerly Invitae), Labcorp
Classification: Uncertain significance. Last evaluated: 2022-07-05. Review status: criteria provided, single submitter. Criteria: Invitae Variant Classification Sherloc (09022015). Collection method: clinical testing. Allele origin: germline.
Comment: This variant has not been reported in the literature in individuals affected with NDUFA13-related conditions. In summary, the available evidence is currently insufficient to determine the role of this variant in disease. Therefore, it has been classified as a Variant of Uncertain Significance. Algorithms developed to predict the effect of missense changes on protein structure and function are either unavailable or do not agree on the potential impact of this missense change (SIFT: "Deleterious"; PolyPhen-2: "Possibly Damaging"; Align-GVGD: "Class C0"). This variant is present in population databases (no rsID available, gnomAD 0.0009%). This sequence change replaces serine, which is neutral and polar, with alanine, which is neutral and non-polar, at codon 31 of the NDUFA13 protein (p.Ser31Ala).